The following is an entry in ClinVar:

ClinVar aggregate classification (germline): Uncertain significance. Review status: criteria provided, multiple submitters, no conflicts (2 of 4 stars). 2 submissions from 2 submitters: Uncertain significance (2). Last evaluated 2025-08-02.

Conditions:
Cohen syndrome (COH1). Also called: Cutis verticis gyrata, retinitis pigmentosa, and sensorineural deafness; PEPPER SYNDROME. Identifiers: Orphanet 193, MedGen C0265223, MONDO:0008999, OMIM 216550.
Inborn genetic diseases. Identifiers: MedGen C0950123, MeSH D030342.

Allele frequency attached by ClinVar (database versions not stated): gnomAD exomes below 0.00001; ExAC 0.00001.
gnomAD v4.1: 2 of 1,614,124 alleles (0.00012%); highest among the groups gnomAD compares: Non-Finnish European, 0.00017%; no homozygotes.

Submissions (2):

Ambry Genetics
Classification: Uncertain significance for Inborn genetic diseases. Last evaluated: 2025-08-02. Review status: criteria provided, single submitter. Criteria: Ambry Variant Classification Scheme 2023. Collection method: clinical testing. Allele origin: germline.

Labcorp Genetics (formerly Invitae), Labcorp
Classification: Uncertain significance for Cohen syndrome. Last evaluated: 2021-03-16. Review status: criteria provided, single submitter. Criteria: Invitae Variant Classification Sherloc (09022015). Collection method: clinical testing. Allele origin: germline.
Comment: In summary, the available evidence is currently insufficient to determine the role of this variant in disease. Therefore, it has been classified as a Variant of Uncertain Significance. Algorithms developed to predict the effect of missense changes on protein structure and function output the following: SIFT: "Not Available"; PolyPhen-2: "Benign"; Align-GVGD: "Not Available". The glutamic acid amino acid residue is found in multiple mammalian species, suggesting that this missense change does not adversely affect protein function. These predictions have not been confirmed by published functional studies and their clinical significance is uncertain. This variant has not been reported in the literature in individuals with VPS13B-related conditions. This variant is present in population databases (rs398124336, ExAC 0.002%). This sequence change replaces glycine with glutamic acid at codon 2114 of the VPS13B protein (p.Gly2114Glu). The glycine residue is weakly conserved and there is a moderate physicochemical difference between glycine and glutamic acid.

NM_152564.5(VPS13B):c.6266G>A (p.Gly2089Glu)

Gene: VPS13B (vacuolar protein sorting 13 homolog B; plus strand). Cytogenetic location: 8q22.2.
Variant type: single nucleotide variant.
Coding change: c.6266G>A on transcript NM_152564.5 (MANE Select); coding-DNA position 6266, G replaced by A.
Protein change: p.Gly2089Glu; replaces glycine 2089 with glutamic acid.
Molecular consequence: missense variant.
Genome position (GRCh38, 1-based): chr8:99,699,744, G>A. VCF-style: chr8-99699744-G-A. GRCh37 (hg19) VCF-style: chr8-100711972-G-A.
Other names: c.6341G>A (NM_017890.3); c.6341G>A, p.Gly2114Glu (NM_017890.5); short protein forms G2089E, G2114E.
Identifiers: ClinVar variation 1450376 (VCV001450376.7), dbSNP rs398124336, ClinGen allele CA4823964.
Genomic context (GRCh38, chr8:99,699,744, plus strand): 5'-ATCTTCCAGTCTCCAAATATTACCGTGGAAAGTTGTCTAAACCCAAAATTCATGGTGATG[G>A]AGTGCAAAAGATTTCAGCTCAAGAAAACATGTGGAGAGCTGTTTCCTGCTTTCAAAAAAT-3'
Protein context (NP_689777.3, residues 2079-2099): KLSKPKIHGD[Gly2089Glu]VQKISAQENM